The following is an entry in ClinVar:

ClinVar aggregate classification (germline): Uncertain significance (1 of 4 stars; one submission).

Conditions:
Inborn genetic diseases. Identifiers: MedGen C0950123, MeSH D030342.

gnomAD v4.1: 10 of 1,612,424 alleles (0.00062%); highest among the groups gnomAD compares: Non-Finnish European, 0.00017%; no homozygotes.

Submission:

Ambry Genetics
Classification: Uncertain significance for Inborn genetic diseases. Last evaluated: 2025-11-05. Review status: criteria provided, single submitter. Criteria: Ambry Variant Classification Scheme 2023. Collection method: clinical testing. Allele origin: germline.
Comment: The p.M353L variant (also known as c.1057A>T), located in coding exon 8 of the BUB1B gene, results from an A to T substitution at nucleotide position 1057. The methionine at codon 353 is replaced by leucine, an amino acid with highly similar properties. This amino acid position is conserved. In addition, this alteration is predicted to be tolerated by in silico analysis. Based on the available evidence, the clinical significance of this variant remains unclear.

NM_001211.6(BUB1B):c.1057A>T (p.Met353Leu)

Gene: BUB1B (BUB1 mitotic checkpoint serine/threonine kinase B; plus strand). Cytogenetic location: 15q15.1.
Variant type: single nucleotide variant.
Coding change: c.1057A>T on transcript NM_001211.6 (MANE Select); coding-DNA position 1057, A replaced by T.
Protein change: p.Met353Leu; replaces methionine 353 with leucine.
Molecular consequence: missense variant.
Genome position (GRCh38, 1-based): chr15:40,185,641, A>T. VCF-style: chr15-40185641-A-T. GRCh37 (hg19) VCF-style: chr15-40477842-A-T.
Other names: short protein forms M353L.
Identifiers: ClinVar variation 4600524 (VCV004600524.1).